The following is an entry in ClinVar:

ClinVar aggregate classification (germline): Uncertain significance (1 of 4 stars; one submission).

Conditions:
Spastic paraplegia. Identifiers: MedGen C0037772, HP:0001258.

Allele frequency attached by ClinVar (database versions not stated): gnomAD exomes below 0.00001; gnomAD 0.00001.
gnomAD v4.1: 5 of 1,614,072 alleles (0.00031%); highest among the groups gnomAD compares: East Asian, 0.0022%; no homozygotes.

Submission:

Labcorp Genetics (formerly Invitae), Labcorp
Classification: Uncertain significance for Spastic paraplegia. Last evaluated: 2022-06-17. Review status: criteria provided, single submitter. Criteria: Invitae Variant Classification Sherloc (09022015). Collection method: clinical testing. Allele origin: germline.
Comment: This sequence change replaces arginine, which is basic and polar, with tryptophan, which is neutral and slightly polar, at codon 223 of the ZFYVE26 protein (p.Arg223Trp). The frequency data for this variant in the population databases is considered unreliable, as metrics indicate poor data quality at this position in the gnomAD database. This variant has not been reported in the literature in individuals affected with ZFYVE26-related conditions. Algorithms developed to predict the effect of missense changes on protein structure and function are either unavailable or do not agree on the potential impact of this missense change (SIFT: "Deleterious"; PolyPhen-2: "Possibly Damaging"; Align-GVGD: "Class C0"). In summary, the available evidence is currently insufficient to determine the role of this variant in disease. Therefore, it has been classified as a Variant of Uncertain Significance.

NM_015346.4(ZFYVE26):c.667C>T (p.Arg223Trp)

Gene: ZFYVE26 (zinc finger FYVE-type containing 26; minus strand). Cytogenetic location: 14q24.1.
Variant type: single nucleotide variant.
Coding change: c.667C>T on transcript NM_015346.4 (MANE Select); coding-DNA position 667, C replaced by T.
Protein change: p.Arg223Trp; replaces arginine 223 with tryptophan.
Molecular consequence: missense variant.
Genome position (GRCh38, 1-based): chr14:67,807,617, G>A on the plus strand (C>T on the coding strand, the complement: ZFYVE26 is on the minus strand). VCF-style: chr14-67807617-G-A. GRCh37 (hg19) VCF-style: chr14-68274334-G-A.
Other names: short protein forms R223W.
Identifiers: ClinVar variation 1930024 (VCV001930024.2), dbSNP rs1301230097, ClinGen allele CA390161359.